The following is an entry in ClinVar:

NM_003119.4(SPG7):c.1219A>G (p.Ile407Val)

Gene: SPG7 (SPG7 matrix AAA peptidase subunit, paraplegin; plus strand). Cytogenetic location: 16q24.3.
Variant type: single nucleotide variant.
Coding change: c.1219A>G on transcript NM_003119.4 (MANE Select); coding-DNA position 1219, A replaced by G.
Protein change: p.Ile407Val; replaces isoleucine 407 with valine.
Molecular consequence: missense variant.
Genome position (GRCh38, 1-based): chr16:89,532,531, A>G. VCF-style: chr16-89532531-A-G. GRCh37 (hg19) VCF-style: chr16-89598939-A-G.
Other names: c.1219A>G, p.Ile407Val (NM_001363850.1, NM_199367.3); short protein forms I407V.
Identifiers: ClinVar variation 4804728 (VCV004804728.1).

ClinVar aggregate classification (germline): Uncertain significance (1 of 4 stars; one submission).

Conditions:
Hereditary spastic paraplegia 7 (SPG7). Also called: SPASTIC PARAPLEGIA 7, AUTOSOMAL RECESSIVE, WITH OR WITHOUT CEREBELLAR ATAXIA; SPG7-related neurologic disorder; Spastic paraplegia 7; Hereditary spastic paraplegia Paraplegin type; Autosomal recessive spastic paraplegia type 7. Identifiers: Orphanet 99013, MedGen C1846564, MONDO:0011803, OMIM 607259.

gnomAD v4.1: 61 of 1,613,596 alleles (0.0038%); highest among the groups gnomAD compares: Non-Finnish European, 0.0049%; no homozygotes.

Submission:

Labcorp Genetics (formerly Invitae), Labcorp
Classification: Uncertain significance for Hereditary spastic paraplegia 7. Last evaluated: 2026-01-11. Review status: criteria provided, single submitter. Criteria: Invitae Variant Classification Sherloc (09022015). Collection method: clinical testing. Allele origin: germline.
Comment: This sequence change replaces isoleucine, which is neutral and non-polar, with valine, which is neutral and non-polar, at codon 407 of the SPG7 protein (p.Ile407Val). This variant is present in population databases (rs139103036, gnomAD 0.0009%). This variant has not been reported in the literature in individuals affected with SPG7-related conditions. Invitae Evidence Modeling of protein sequence and biophysical properties (such as structural, functional, and spatial information, amino acid conservation, physicochemical variation, residue mobility, and thermodynamic stability) indicates that this missense variant is not expected to disrupt SPG7 protein function with a negative predictive value of 80%. In summary, the available evidence is currently insufficient to determine the role of this variant in disease. Therefore, it has been classified as a Variant of Uncertain Significance.